The following is an entry in ClinVar:

ClinVar aggregate classification (germline): Uncertain significance (1 of 4 stars; one submission).

gnomAD v4.1: 1 of 1,613,974 alleles (0.000062%); highest among the groups gnomAD compares: Non-Finnish European, 0.000085%; no homozygotes.

Submission:

Labcorp Genetics (formerly Invitae), Labcorp
Classification: Uncertain significance. Last evaluated: 2024-08-27. Review status: criteria provided, single submitter. Criteria: Invitae Variant Classification Sherloc (09022015). Collection method: clinical testing. Allele origin: germline.
Comment: This sequence change replaces arginine, which is basic and polar, with leucine, which is neutral and non-polar, at codon 1654 of the FAT1 protein (p.Arg1654Leu). This variant is not present in population databases (gnomAD no frequency). This variant has not been reported in the literature in individuals affected with FAT1-related conditions. An algorithm developed to predict the effect of missense changes on protein structure and function (PolyPhen-2) suggests that this variant is likely to be tolerated. In summary, the available evidence is currently insufficient to determine the role of this variant in disease. Therefore, it has been classified as a Variant of Uncertain Significance.

NM_005245.4(FAT1):c.4961G>T (p.Arg1654Leu)

Gene: FAT1 (FAT atypical cadherin 1; minus strand). Cytogenetic location: 4q35.2.
Variant type: single nucleotide variant.
Coding change: c.4961G>T on transcript NM_005245.4 (MANE Select); coding-DNA position 4961, G replaced by T.
Protein change: p.Arg1654Leu; replaces arginine 1654 with leucine.
Molecular consequence: missense variant.
Genome position (GRCh38, 1-based): chr4:186,621,625, C>A on the plus strand (G>T on the coding strand, the complement: FAT1 is on the minus strand). VCF-style: chr4-186621625-C-A. GRCh37 (hg19) VCF-style: chr4-187542779-C-A.
Other names: short protein forms R1654L.
Identifiers: ClinVar variation 3615995 (VCV003615995.2).
Genomic context (GRCh38, chr4:186,621,625, plus strand): 5'-ACAGAATATTCTTTTGATGTAAACTTCGGAGAGGCGTTGTCAGCAATTGTGACAAAGATA[C>A]GCACAGAAGTTATTTCACTCATTGGTGGACTGCCCTTATCTGTAGCTTTTACCATTAAAT-3'
Protein context (NP_005236.2, residues 1644-1664): SPPMSEITSV[Arg1654Leu]IFVTIADNAS